The following is an entry in ClinVar:

ClinVar aggregate classification (germline): Uncertain significance. Review status: criteria provided, multiple submitters, no conflicts (2 of 4 stars). 2 submissions from 2 submitters: Uncertain significance (2). Last evaluated 2023-04-17.

Allele frequency attached by ClinVar (database versions not stated): TOPMed 0.00008; ExAC 0.00012; 1000 Genomes Project 30x 0.00016; 1000 Genomes Project 0.00020.
gnomAD v4.1: 48 of 1,555,170 alleles (0.0031%); highest among the groups gnomAD compares: Middle Eastern, 0.051%; 2 homozygotes.

Submissions (2):

GeneDx
Classification: Uncertain significance. Last evaluated: 2023-04-17. Review status: criteria provided, single submitter. Criteria: GeneDx Variant Classification Process June 2021. Collection method: clinical testing. Allele origin: germline. Affected: yes.
Comment: Has not been previously published as pathogenic or benign to our knowledge; In silico analysis supports that this missense variant has a deleterious effect on protein structure/function; Not observed at significant frequency in large population cohorts (gnomAD)

Center for Pediatric Genomic Medicine, Children's Mercy Hospital and Clinics
Classification: Uncertain significance. Last evaluated: 2017-01-02. Review status: criteria provided, single submitter. Criteria: ACMG Guidelines, 2015. Collection method: clinical testing. Allele origin: germline.
ClinVar note: Converted during submission from Uncertain Significance to Uncertain significance.

NM_001365276.2(TNXB):c.1101C>G (p.Asp367Glu)

Gene: TNXB (tenascin XB; minus strand). Cytogenetic location: 6p21.33.
Variant type: single nucleotide variant.
Coding change: c.1101C>G on transcript NM_001365276.2 (MANE Select); coding-DNA position 1101, C replaced by G.
Protein change: p.Asp367Glu; replaces aspartic acid 367 with glutamic acid.
Molecular consequence: missense variant.
Genome position (GRCh38, 1-based): chr6:32,096,752, G>C on the plus strand (C>G on the coding strand, the complement: TNXB is on the minus strand). VCF-style: chr6-32096752-G-C. GRCh37 (hg19) VCF-style: chr6-32064529-G-C.
Other names: c.1101C>G, p.Asp367Glu (NM_019105.8); c.1101C>G (NM_019105.6); short protein forms D367E.
Identifiers: ClinVar variation 376865 (VCV000376865.4), dbSNP rs9380279, ClinGen allele CA3735733.